The following is an entry in ClinVar:

ClinVar aggregate classification (germline): Uncertain significance (1 of 4 stars; one submission).

Submission:

Labcorp Genetics (formerly Invitae), Labcorp
Classification: Uncertain significance. Last evaluated: 2022-03-29. Review status: criteria provided, single submitter. Criteria: Invitae Variant Classification Sherloc (09022015). Collection method: clinical testing. Allele origin: germline.
Comment: This variant, c.4717_4758dup, results in the insertion of 14 amino acid(s) of the TOP2B protein (p.Asp1573_Pro1586dup), but otherwise preserves the integrity of the reading frame. This variant has not been reported in the literature in individuals affected with TOP2B-related conditions. In summary, the available evidence is currently insufficient to determine the role of this variant in disease. Therefore, it has been classified as a Variant of Uncertain Significance. Experimental studies and prediction algorithms are not available or were not evaluated, and the functional significance of this variant is currently unknown. This variant is present in population databases (rs756624144, gnomAD 0.003%).

NM_001330700.2(TOP2B):c.4732_4773dup (p.Pro1591_Thr1592insAspGlnAspSerAspValAspIlePheProSerAspPhePro)

Gene: TOP2B (DNA topoisomerase II beta; minus strand). Cytogenetic location: 3p24.2.
Variant type: Duplication.
Coding change: c.4732_4773dup on transcript NM_001330700.2 (MANE Select); coding-DNA positions 4732 to 4773, 42 bases duplicated.
Protein change: p.Pro1591_Thr1592insAspGlnAspSerAspValAspIlePheProSerAspPhePro.
Molecular consequence: inframe insertion.
Genome position (GRCh38, 1-based): chr3:25,598,415-25,598,456, 42 bases duplicated; duplicating any 42 consecutive bases within chr3:25,598,415-25,598,457 gives the same sequence; the c. name uses the placement nearest the transcript's 3' end. GRCh37 (hg19): chr3:25,639,907-25,639,948.
Other names: c.4717_4758dup, p.Pro1586_Thr1587insAspGlnAspSerAspValAspIlePheProSerAspPhePro (NM_001068.3).
Identifiers: ClinVar variation 1915543 (VCV001915543.5), dbSNP rs756624144, ClinGen allele CA2287971.
Genomic context (GRCh38, chr3:25,598,414, plus strand): 5'-CTGCAAAATATTTTACTTCTTTCCTAGCCCGACCGGTTCGTGGCAGAGAAGGTGGCTCAG[T>TAGGGAAGTCTGAGGGGAAGATGTCCACATCTGAATCCTGATC]AGGGAAGTCTGAGGGGAAGATGTCCACATCTGAATCCTGATCAAAAGATGTCTTCTTCGG-3'